The following is an entry in ClinVar:

NM_000255.4(MMUT):c.2022C>T (p.Leu674=)

Gene: MMUT (methylmalonyl-CoA mutase; minus strand). Cytogenetic location: 6p12.3.
Variant type: single nucleotide variant.
Coding change: c.2022C>T on transcript NM_000255.4 (MANE Select); coding-DNA position 2022, C replaced by T.
Protein change: p.Leu674=; no amino-acid change (leucine 674 retained).
Molecular consequence: synonymous variant.
Genome position (GRCh38, 1-based): chr6:49,435,558, G>A on the plus strand (C>T on the coding strand, the complement: MMUT is on the minus strand). VCF-style: chr6-49435558-G-A. GRCh37 (hg19) VCF-style: chr6-49403271-G-A.
Identifiers: ClinVar variation 387068 (VCV000387068.13), dbSNP rs772652266, ClinGen allele CA3846678.

ClinVar aggregate classification (germline): Conflicting classifications of pathogenicity. Review status: criteria provided, conflicting classifications (1 of 4 stars). 3 submissions from 3 submitters: Uncertain significance (1); Likely benign (2). Last evaluated 2024-11-04.

Conditions:
Methylmalonic aciduria due to methylmalonyl-CoA mutase deficiency (MAMM). Also called: Methylmalonic aciduria, mut type. Identifiers: Orphanet 27, MedGen C1855114, MONDO:0009612, OMIM 251000.

Allele frequency attached by ClinVar (database versions not stated): TOPMed 0.00004; gnomAD 0.00009 and 0.00010.
gnomAD v4.1: 58 of 1,613,930 alleles (0.0036%); highest among the groups gnomAD compares: African/African-American, 0.027%; no homozygotes.

Submissions (3):

Labcorp Genetics (formerly Invitae), Labcorp
Classification: Likely benign. Last evaluated: 2024-11-04. Review status: criteria provided, single submitter. Criteria: Invitae Variant Classification Sherloc (09022015). Collection method: clinical testing. Allele origin: germline.

Illumina Laboratory Services, Illumina
Classification: Uncertain significance for Methylmalonic aciduria due to methylmalonyl-CoA mutase deficiency. Last evaluated: 2017-04-27. Review status: criteria provided, single submitter. Criteria: ICSL Variant Classification Criteria 13 December 2019. Collection method: clinical testing. Allele origin: germline.

GeneDx
Classification: Likely benign. Last evaluated: 2016-07-01. Review status: criteria provided, single submitter. Criteria: GeneDx Variant Classification (06012015). Collection method: clinical testing. Allele origin: germline. Affected: yes.
Comment: This variant is considered likely benign or benign based on one or more of the following criteria: it is a conservative change, it occurs at a poorly conserved position in the protein, it is predicted to be benign by multiple in silico algorithms, and/or has population frequency not consistent with disease.